The following is an entry in ClinVar:

ClinVar aggregate classification (germline): Uncertain significance (1 of 4 stars; one submission).

gnomAD v4.1: 22 of 1,612,682 alleles (0.0014%); highest among the groups gnomAD compares: Non-Finnish European, 0.0019%; no homozygotes.

Submission:

GeneDx
Classification: Uncertain significance. Last evaluated: 2025-04-20. Review status: criteria provided, single submitter. Criteria: GeneDx Variant Classification Process June 2021. Collection method: clinical testing. Allele origin: germline. Affected: yes.
Comment: Not observed at significant frequency in large population cohorts (gnomAD); In silico analysis supports that this missense variant has a deleterious effect on protein structure/function; This substitution is predicted to be within the cytoplasmic loop between the second and third homologous domains; Has not been previously published as pathogenic or benign to our knowledge

NM_001165963.4(SCN1A):c.3536C>T (p.Ala1179Val)

Genes: SCN1A (sodium voltage-gated channel alpha subunit 1; minus strand), LOC102724058 (uncharacterized LOC102724058; plus strand). Cytogenetic location: 2q24.3.
Variant type: single nucleotide variant.
Coding change: c.3536C>T on transcript NM_001165963.4 (MANE Select); coding-DNA position 3536, C replaced by T.
Protein change: p.Ala1179Val; replaces alanine 1179 with valine.
Molecular consequence: missense variant. On other transcripts: non-coding transcript variant (2).
Genome position (GRCh38, 1-based): chr2:166,015,621, G>A on the plus strand (C>T on the coding strand, the complement: SCN1A is on the minus strand). VCF-style: chr2-166015621-G-A. GRCh37 (hg19) VCF-style: chr2-166872131-G-A.
Other names: c.3452C>T, p.Ala1151Val (NM_001165964.3, NM_001353957.2, NM_001353958.2); c.3536C>T, p.Ala1179Val (NM_001202435.3, NM_001353948.2); c.3503C>T, p.Ala1168Val (NM_001353949.2, NM_001353950.2, NM_001353951.2 and 2 more transcripts); c.3500C>T, p.Ala1167Val (NM_001353954.2, NM_001353955.2); c.3449C>T, p.Ala1150Val (NM_001353960.2); c.1094C>T, p.Ala365Val (NM_001353961.2); short protein forms A1150V, A1151V, A1167V, A1168V, A1179V, A365V.
Identifiers: ClinVar variation 4282322 (VCV004282322.1).